The following is an entry in ClinVar:

NM_012431.3(SEMA3E):c.1375A>C (p.Ile459Leu)

Gene: SEMA3E (semaphorin 3E; minus strand). Cytogenetic location: 7q21.11.
Variant type: single nucleotide variant.
Coding change: c.1375A>C on transcript NM_012431.3 (MANE Select); coding-DNA position 1375, A replaced by C.
Protein change: p.Ile459Leu; replaces isoleucine 459 with leucine.
Molecular consequence: missense variant.
Genome position (GRCh38, 1-based): chr7:83,396,721, T>G on the plus strand (A>C on the coding strand, the complement: SEMA3E is on the minus strand). VCF-style: chr7-83396721-T-G. GRCh37 (hg19) VCF-style: chr7-83026037-T-G.
Other names: c.1195A>C, p.Ile399Leu (NM_001178129.2); short protein forms I399L, I459L.
Identifiers: ClinVar variation 2629955 (VCV002629955.2), dbSNP rs2484300286, ClinGen allele CA367925498.
Genomic context (GRCh38, chr7:83,396,721, plus strand): 5'-GAATTACTTCTTCCATTGATTCCATTTCTTGGTTGTAAATTGTGATTACTTTCAGCACAA[T>G]TCCATTATCTGTAAGAAAACAAAACAAGAAATAAACTAGAATCTATGTCACAGTACGGTT-3'
Protein context (NP_036563.1, residues 449-469): DVLFIGTDNG[Ile459Leu]VLKVITIYNQ

ClinVar aggregate classification (germline): Uncertain significance (0 of 4 stars; one submission).

Conditions:
SEMA3E-related disorder. Also called: SEMA3E-related condition.

Submission:

PreventionGenetics, part of Exact Sciences
Classification: Uncertain significance for SEMA3E-related condition. Last evaluated: 2024-09-09. Review status: no assertion criteria provided. Collection method: clinical testing. Allele origin: germline.
Comment: The SEMA3E c.1375A>C variant is predicted to result in the amino acid substitution p.Ile459Leu. To our knowledge, this variant has not been reported in the literature or in a large population database, indicating this variant is rare. At this time, the clinical significance of this variant is uncertain due to the absence of conclusive functional and genetic evidence.